The following is an entry in ClinVar:

ClinVar aggregate classification (germline): Uncertain significance. Review status: criteria provided, multiple submitters, no conflicts (2 of 4 stars). 2 submissions from 2 submitters: Uncertain significance (2). Last evaluated 2022-02-18.

Conditions:
Meier-Gorlin syndrome 3 (MGORS3). Identifiers: Orphanet 2554, MedGen C3151113, MONDO:0013430, OMIM 613803.

Allele frequency attached by ClinVar (database versions not stated): gnomAD 0.00001; TOPMed 0.00002.
gnomAD v4.1: 10 of 1,601,936 alleles (0.00062%); highest among the groups gnomAD compares: Admixed American, 0.0051%; no homozygotes.

Submissions (2):

Labcorp Genetics (formerly Invitae), Labcorp
Classification: Uncertain significance. Last evaluated: 2022-02-18. Review status: criteria provided, single submitter. Criteria: Invitae Variant Classification Sherloc (09022015). Collection method: clinical testing. Allele origin: germline.
Comment: This sequence change replaces proline, which is neutral and non-polar, with arginine, which is basic and polar, at codon 11 of the ORC6 protein (p.Pro11Arg). This variant is present in population databases (rs757562073, gnomAD 0.008%). This variant has not been reported in the literature in individuals affected with ORC6-related conditions. ClinVar contains an entry for this variant (Variation ID: 887921). Algorithms developed to predict the effect of missense changes on protein structure and function output the following: SIFT: "Tolerated"; PolyPhen-2: "Benign"; Align-GVGD: "Class C0". The arginine amino acid residue is found in multiple mammalian species, which suggests that this missense change does not adversely affect protein function. In summary, the available evidence is currently insufficient to determine the role of this variant in disease. Therefore, it has been classified as a Variant of Uncertain Significance.

Illumina Laboratory Services, Illumina
Classification: Uncertain significance for Meier-Gorlin syndrome 3. Last evaluated: 2018-01-13. Review status: criteria provided, single submitter. Criteria: ICSL Variant Classification Criteria 13 December 2019. Collection method: clinical testing. Allele origin: germline.

NM_014321.4(ORC6):c.32C>G (p.Pro11Arg)

Gene: ORC6 (origin recognition complex subunit 6; plus strand). Cytogenetic location: 16q11.2.
Variant type: single nucleotide variant.
Coding change: c.32C>G on transcript NM_014321.4 (MANE Select); coding-DNA position 32, C replaced by G.
Protein change: p.Pro11Arg; replaces proline 11 with arginine.
Molecular consequence: missense variant. On other transcripts: non-coding transcript variant (1).
Genome position (GRCh38, 1-based): chr16:46,689,737, C>G. VCF-style: chr16-46689737-C-G. GRCh37 (hg19) VCF-style: chr16-46723649-C-G.
Other names: short protein forms P11R.
Identifiers: ClinVar variation 887921 (VCV000887921.9), dbSNP rs757562073, ClinGen allele CA8037256.